The following is an entry in ClinVar:

NM_001372051.1(CASP8):c.655T>G (p.Ser219Ala)

Gene: CASP8 (caspase 8; plus strand). Cytogenetic location: 2q33.1.
Variant type: single nucleotide variant.
Coding change: c.655T>G on transcript NM_001372051.1 (MANE Select); coding-DNA position 655, T replaced by G.
Protein change: p.Ser219Ala; replaces serine 219 with alanine.
Molecular consequence: missense variant. On other transcripts: non-coding transcript variant (19), intron variant (16).
Genome position (GRCh38, 1-based): chr2:201,274,948, T>G. VCF-style: chr2-201274948-T-G. GRCh37 (hg19) VCF-style: chr2-202139671-T-G.
Other names: c.832T>G, p.Ser278Ala (NM_001080125.2); c.706T>G, p.Ser236Ala (NM_001228.5); c.610T>G, p.Ser204Ala (NM_001080124.2, NM_001400658.1, NM_001400659.1 and 5 more transcripts); c.787T>G, p.Ser263Ala (NM_001400642.1); c.655T>G, p.Ser219Ala (NM_001400648.1, NM_001400651.1, NM_001400653.1 and 6 more transcripts); c.346T>G, p.Ser116Ala (NM_001400669.1); c.40T>G, p.Ser14Ala (NM_001400674.1, NM_001400680.1); c.19-1879T>G (NM_001400677.1, NM_001400751.1, NM_001400678.1 and 2 more transcripts); and 7 more; short protein forms S219A, S236A, S14A, S278A, S116A, S204A, S263A.
Identifiers: ClinVar variation 2173986 (VCV002173986.3), dbSNP rs35976359, ClinGen allele CA63886149.

ClinVar aggregate classification (germline): Uncertain significance (1 of 4 stars; one submission).

Conditions:
Autoimmune lymphoproliferative syndrome type 2B. Also called: AUTOIMMUNE LYMPHOPROLIFERATIVE SYNDROME, TYPE IIB. Identifiers: Orphanet 275517, MedGen C1846545, MONDO:0011804, OMIM 607271.

gnomAD v4.1: 4 of 1,608,858 alleles (0.00025%); highest among the groups gnomAD compares: Non-Finnish European, 0.00034%; no homozygotes.

Submission:

Labcorp Genetics (formerly Invitae), Labcorp
Classification: Uncertain significance for Autoimmune lymphoproliferative syndrome type 2B. Last evaluated: 2022-08-09. Review status: criteria provided, single submitter. Criteria: Invitae Variant Classification Sherloc (09022015). Collection method: clinical testing. Allele origin: germline.
Comment: This variant is present in population databases (rs35976359, gnomAD 0.002%). This variant has not been reported in the literature in individuals affected with CASP8-related conditions. Algorithms developed to predict the effect of missense changes on protein structure and function output the following: SIFT: "Tolerated"; PolyPhen-2: "Benign"; Align-GVGD: "Class C0". The alanine amino acid residue is found in multiple mammalian species, which suggests that this missense change does not adversely affect protein function. In summary, the available evidence is currently insufficient to determine the role of this variant in disease. Therefore, it has been classified as a Variant of Uncertain Significance. This sequence change replaces serine, which is neutral and polar, with alanine, which is neutral and non-polar, at codon 236 of the CASP8 protein (p.Ser236Ala).